The following is an entry in ClinVar:

ClinVar aggregate classification (germline): Uncertain significance. Review status: criteria provided, multiple submitters, no conflicts (2 of 4 stars). 3 submissions from 3 submitters: Uncertain significance (3). Last evaluated 2025-09-25.

Conditions:
Hereditary cancer-predisposing syndrome. Also called: Neoplastic Syndromes, Hereditary; Tumor predisposition; Hereditary neoplastic syndrome; Hereditary Cancer Syndrome. Identifiers: Orphanet 140162, MedGen C0027672, MeSH D009386, MONDO:0015356.
Intellectual disability, autosomal dominant 16 (CSS4). Also called: COFFIN-SIRIS SYNDROME 4. Identifiers: Orphanet 1465, MedGen C3553249, MONDO:0013821, OMIM 614609.
Rhabdoid tumor predisposition syndrome 2 (RTPS2). Identifiers: Orphanet 231108, Orphanet 69077, MedGen C2750074, MONDO:0013224, OMIM 613325.

Submissions (3):

Ambry Genetics
Classification: Uncertain significance for Hereditary cancer-predisposing syndrome. Last evaluated: 2025-09-25. Review status: criteria provided, single submitter. Criteria: Ambry Variant Classification Scheme 2023. Collection method: clinical testing. Allele origin: germline.
Comment: The p.G1632R variant (also known as c.4894G>C), located in coding exon 34 of the SMARCA4 gene, results from a G to C substitution at nucleotide position 4894. The glycine at codon 1632 is replaced by arginine, an amino acid with dissimilar properties. This amino acid position is well conserved in available vertebrate species. In addition, the in silico prediction for this alteration is inconclusive. Missense and in-frame variants in SMARCA4 are known to cause neurodevelopmental disorders; however, such associations with rhabdoid tumor predisposition syndrome including small cell carcinoma of the ovary-hypercalcemic type (SCCOHT) are exceedingly rare (Kosho T et al. Am J Med Genet C Semin Med Genet. 2014 Sep;166C(3):262-75; Jelinic P et al. Nat Genet. 2014 May;46(5):424-6). Based on the supporting evidence, the association of this alteration with Coffin-Siris syndrome is unknown; however, the association of this alteration with rhabdoid tumor predisposition syndrome is unlikely.

Genome-Nilou Lab
Classification: Uncertain significance for Intellectual disability, autosomal dominant 16. Last evaluated: 2021-07-15. Review status: criteria provided, single submitter. Criteria: ACMG Guidelines, 2015. Collection method: clinical testing. Allele origin: germline. Affected: no.

Labcorp Genetics (formerly Invitae), Labcorp
Classification: Uncertain significance for Rhabdoid tumor predisposition syndrome 2. Last evaluated: 2020-11-10. Review status: criteria provided, single submitter. Criteria: Invitae Variant Classification Sherloc (09022015). Collection method: clinical testing. Allele origin: germline.
Comment: In summary, the available evidence is currently insufficient to determine the role of this variant in disease. Therefore, it has been classified as a Variant of Uncertain Significance. This variant is not present in population databases (ExAC no frequency). This variant has not been reported in the literature in individuals with SMARCA4-related conditions. Algorithms developed to predict the effect of missense changes on protein structure and function are either unavailable or do not agree on the potential impact of this missense change (SIFT: "Deleterious"; PolyPhen-2: "Benign"; Align-GVGD: "Class C25"). This sequence change replaces glycine with arginine at codon 1632 of the SMARCA4 protein (p.Gly1632Arg). The glycine residue is highly conserved and there is a moderate physicochemical difference between glycine and arginine.

NM_003072.5(SMARCA4):c.4798G>C (p.Gly1600Arg)

Gene: SMARCA4 (SWI/SNF related BAF chromatin remodeling complex subunit ATPase 4; plus strand). Cytogenetic location: 19p13.2.
Variant type: single nucleotide variant.
Coding change: c.4798G>C on transcript NM_003072.5 (MANE Select); coding-DNA position 4798, G replaced by C.
Protein change: p.Gly1600Arg; replaces glycine 1600 with arginine.
Molecular consequence: missense variant. On other transcripts: non-coding transcript variant (1).
Genome position (GRCh38, 1-based): chr19:11,060,074, G>C. VCF-style: chr19-11060074-G-C. GRCh37 (hg19) VCF-style: chr19-11170750-G-C.
Other names: c.4798G>C, p.Gly1600Arg (NM_001128844.3); c.4708G>C, p.Gly1570Arg (NM_001128845.2); c.4705G>C, p.Gly1569Arg (NM_001128846.2); c.4699G>C, p.Gly1567Arg (NM_001128847.4, NM_001374457.1); c.4696G>C, p.Gly1566Arg (NM_001128848.2); c.4894G>C, p.Gly1632Arg (NM_001128849.3, NM_001387283.1); short protein forms G1566R, G1567R, G1600R, G1570R, G1632R, G1569R.
Identifiers: ClinVar variation 643005 (VCV000643005.16), dbSNP rs1600648042, ClinGen allele CA404080385.